The following is an entry in ClinVar:

NC_000009.12:g.35657831A>G

Gene: RMRP (RNA component of mitochondrial RNA processing endoribonuclease; minus strand). Cytogenetic location: 9p13.3.
Variant type: single nucleotide variant.
Genome position: GRCh38 VCF-style: chr9-35657831-A-G. GRCh37 (hg19) VCF-style: chr9-35657828-A-G.
Identifiers: ClinVar variation 1359929 (VCV001359929.4), dbSNP rs1227147763, ClinGen allele CA464450606.
Genomic context (GRCh38, chr9:35,657,831, plus strand): 5'-CCCCGTGTGGTTGGTGCGCGGACACGCACTGCCTGCGTAACTAGAGGGAGCTGACGGATG[A>G]CGCCCCCGCGCCACGCCGCTCAGCGGGATACGCTTCTTGGCGGACTTTGGAGTGGGAAGC-3'

ClinVar aggregate classification (germline): Uncertain significance (1 of 4 stars; one submission).

Conditions:
Anauxetic dysplasia. Identifiers: Orphanet 93347, MedGen C1846796, MONDO:0011773.

Allele frequency attached by ClinVar (database versions not stated): gnomAD exomes 0.00001.
gnomAD v4.1: 3 of 693,034 alleles (0.00043%); highest among the groups gnomAD compares: Middle Eastern, 0.037%; no homozygotes.

Submission:

Labcorp Genetics (formerly Invitae), Labcorp
Classification: Uncertain significance for Anauxetic dysplasia. Last evaluated: 2023-11-27. Review status: criteria provided, single submitter. Criteria: Invitae Variant Classification Sherloc (09022015). Collection method: clinical testing. Allele origin: germline.
Comment: This variant occurs in the RMRP gene, which encodes an RNA molecule that does not result in a protein product. This variant is present in population databases (no rsID available, gnomAD no frequency). This variant has not been reported in the literature in individuals affected with RMRP-related conditions. ClinVar contains an entry for this variant (Variation ID: 1359929). Experimental studies and prediction algorithms are not available or were not evaluated, and the functional significance of this variant is currently unknown. In summary, the available evidence is currently insufficient to determine the role of this variant in disease. Therefore, it has been classified as a Variant of Uncertain Significance.